The following is an entry in ClinVar:

NM_001127178.3(PIGG):c.2527A>T (p.Thr843Ser)

Gene: PIGG (phosphatidylinositol glycan anchor biosynthesis class G (EMM blood group); plus strand). Cytogenetic location: 4p16.3.
Variant type: single nucleotide variant.
Coding change: c.2527A>T on transcript NM_001127178.3 (MANE Select); coding-DNA position 2527, A replaced by T.
Protein change: p.Thr843Ser; replaces threonine 843 with serine.
Molecular consequence: missense variant. On other transcripts: non-coding transcript variant (6).
Genome position (GRCh38, 1-based): chr4:530,701, A>T. VCF-style: chr4-530701-A-T. GRCh37 (hg19) VCF-style: chr4-524490-A-T.
Other names: c.2260A>T, p.Thr754Ser (NM_001289051.2, NM_001345986.2); c.2128A>T, p.Thr710Ser (NM_001289052.2); c.2236A>T, p.Thr746Ser (NM_001345987.2); c.1498A>T, p.Thr500Ser (NM_001345988.2); c.994A>T, p.Thr332Ser (NM_001345990.2, NM_001345991.2); c.1429A>T, p.Thr477Ser (NM_001345994.2); c.2503A>T, p.Thr835Ser (NM_017733.5); c.2527A>T (NM_001127178.1); short protein forms T477S, T710S, T332S, T500S, T835S, T746S, T754S, T843S.
Identifiers: ClinVar variation 941312 (VCV000941312.11), dbSNP rs767057575, ClinGen allele CA2793650.

ClinVar aggregate classification (germline): Uncertain significance. Review status: criteria provided, multiple submitters, no conflicts (2 of 4 stars). 2 submissions from 2 submitters: Uncertain significance (2). Last evaluated 2025-06-03.

Conditions:
Intellectual disability, autosomal recessive 53 (NEDHSCA). Also called: GLYCOSYLPHOSPHATIDYLINOSITOL BIOSYNTHESIS DEFECT 13; Mental retardation, autosomal recessive 53; NEURODEVELOPMENTAL DISORDER WITH OR WITHOUT HYPOTONIA, SEIZURES, AND CEREBELLAR ATROPHY. Identifiers: Orphanet 488635, MedGen C4310794, MONDO:0014832, OMIM 616917.
Inborn genetic diseases. Identifiers: MedGen C0950123, MeSH D030342.

Allele frequency attached by ClinVar (database versions not stated): TOPMed below 0.00001; ExAC 0.00001; gnomAD 0.00001; gnomAD exomes 0.00001 and 0.00003.
gnomAD v4.1: 17 of 1,613,620 alleles (0.0011%); highest among the groups gnomAD compares: East Asian, 0.038%; no homozygotes.

Submissions (2):

Ambry Genetics
Classification: Uncertain significance for Inborn genetic diseases. Last evaluated: 2025-06-03. Review status: criteria provided, single submitter. Criteria: Ambry Variant Classification Scheme 2023. Collection method: clinical testing. Allele origin: germline.

Labcorp Genetics (formerly Invitae), Labcorp
Classification: Uncertain significance for Intellectual disability, autosomal recessive 53. Last evaluated: 2022-04-01. Review status: criteria provided, single submitter. Criteria: Invitae Variant Classification Sherloc (09022015). Collection method: clinical testing. Allele origin: germline.
Comment: This sequence change replaces threonine, which is neutral and polar, with serine, which is neutral and polar, at codon 843 of the PIGG protein (p.Thr843Ser). This variant is present in population databases (rs767057575, gnomAD 0.01%). This variant has not been reported in the literature in individuals affected with PIGG-related conditions. ClinVar contains an entry for this variant (Variation ID: 941312). Algorithms developed to predict the effect of missense changes on protein structure and function are either unavailable or do not agree on the potential impact of this missense change (SIFT: "Tolerated"; PolyPhen-2: "Probably Damaging"; Align-GVGD: "Class C0"). In summary, the available evidence is currently insufficient to determine the role of this variant in disease. Therefore, it has been classified as a Variant of Uncertain Significance.